The following is an entry in ClinVar:

ClinVar aggregate classification (germline): Uncertain significance (1 of 4 stars; one submission).

Conditions:
Niemann-Pick disease, type C1. Also called: NIEMANN-PICK DISEASE, VARIANT TYPE C1; NEUROVISCERAL STORAGE DISEASE WITH VERTICAL SUPRANUCLEAR OPHTHALMOPLEGIA; NIEMANN-PICK DISEASE WITH CHOLESTEROL ESTERIFICATION BLOCK; NIEMANN-PICK DISEASE WITHOUT SPHINGOMYELINASE DEFICIENCY; NIEMANN-PICK DISEASE, CHRONIC NEURONOPATHIC FORM. Identifiers: Orphanet 646, MedGen C3179455, MONDO:0009757, OMIM 257220.

Allele frequency attached by ClinVar (database versions not stated): gnomAD exomes 0.00001.
gnomAD v4.1: 4 of 1,614,118 alleles (0.00025%); highest among the groups gnomAD compares: South Asian, 0.0011%; no homozygotes.

Submission:

Labcorp Genetics (formerly Invitae), Labcorp
Classification: Uncertain significance for Niemann-Pick disease, type C1. Last evaluated: 2022-09-15. Review status: criteria provided, single submitter. Criteria: Invitae Variant Classification Sherloc (09022015). Collection method: clinical testing. Allele origin: germline.
Comment: This sequence change affects codon 1106 of the NPC1 mRNA. It is a 'silent' change, meaning that it does not change the encoded amino acid sequence of the NPC1 protein. This variant is present in population databases (no rsID available, gnomAD 0.003%). This variant has not been reported in the literature in individuals affected with NPC1-related conditions. Algorithms developed to predict the effect of sequence changes on RNA splicing suggest that this variant may disrupt the consensus splice site. In summary, the available evidence is currently insufficient to determine the role of this variant in disease. Therefore, it has been classified as a Variant of Uncertain Significance.

NM_000271.5(NPC1):c.3318G>A (p.Leu1106=)

Gene: NPC1 (NPC intracellular cholesterol transporter 1; minus strand). Cytogenetic location: 18q11.2.
Variant type: single nucleotide variant.
Coding change: c.3318G>A on transcript NM_000271.5 (MANE Select); coding-DNA position 3318, G replaced by A.
Protein change: p.Leu1106=; no amino-acid change (leucine 1106 retained).
Molecular consequence: synonymous variant.
Genome position (GRCh38, 1-based): chr18:23,535,628, C>T on the plus strand (G>A on the coding strand, the complement: NPC1 is on the minus strand). VCF-style: chr18-23535628-C-T. GRCh37 (hg19) VCF-style: chr18-21115592-C-T.
Identifiers: ClinVar variation 2093225 (VCV002093225.4), dbSNP rs1208191416, ClinGen allele CA503521741.